The following is an entry in ClinVar:

NM_001384732.1(CPLANE1):c.3728A>G (p.Asn1243Ser)

Gene: CPLANE1 (ciliogenesis and planar polarity effector complex subunit 1; minus strand). Cytogenetic location: 5p13.2.
Variant type: single nucleotide variant.
Coding change: c.3728A>G on transcript NM_001384732.1 (MANE Select); coding-DNA position 3728, A replaced by G.
Protein change: p.Asn1243Ser; replaces asparagine 1243 with serine.
Molecular consequence: missense variant.
Genome position (GRCh38, 1-based): chr5:37,195,941, T>C on the plus strand (A>G on the coding strand, the complement: CPLANE1 is on the minus strand). VCF-style: chr5-37195941-T-C. GRCh37 (hg19) VCF-style: chr5-37196043-T-C.
Other names: c.3728A>G, p.Asn1243Ser (NM_023073.4); short protein forms N1243S.
Identifiers: ClinVar variation 1477933 (VCV001477933.8), dbSNP rs1384765402, ClinGen allele CA359510301.
Genomic context (GRCh38, chr5:37,195,941, plus strand): 5'-TCAAGCTTGTGGTCTCCAGCTGCTCCAGGTCTAAAAAATGCGATACCTCCTTTACAGTAA[T>C]TAAGTAATGACTGAGGAAAAGGACTCAGTGAAGGAAGGGATCCTTTCATTCGAATCTAAA-3'
Protein context (NP_001371661.1, residues 1233-1253): SLSPFPQSLL[Asn1243Ser]YCKGGIAFFR

ClinVar aggregate classification (germline): Uncertain significance (1 of 4 stars; one submission).

Allele frequency attached by ClinVar (database versions not stated): gnomAD 0.00001.
gnomAD v4.1: 4 of 1,612,354 alleles (0.00025%); highest among the groups gnomAD compares: Non-Finnish European, 0.00034%; no homozygotes.

Submission:

Labcorp Genetics (formerly Invitae), Labcorp
Classification: Uncertain significance. Last evaluated: 2022-07-25. Review status: criteria provided, single submitter. Criteria: Invitae Variant Classification Sherloc (09022015). Collection method: clinical testing. Allele origin: germline.
Comment: This sequence change replaces asparagine, which is neutral and polar, with serine, which is neutral and polar, at codon 1243 of the CPLANE1 protein (p.Asn1243Ser). In summary, the available evidence is currently insufficient to determine the role of this variant in disease. Therefore, it has been classified as a Variant of Uncertain Significance. Algorithms developed to predict the effect of sequence changes on RNA splicing suggest that this variant may create or strengthen a splice site. Advanced modeling of protein sequence and biophysical properties (such as structural, functional, and spatial information, amino acid conservation, physicochemical variation, residue mobility, and thermodynamic stability) performed at Invitae indicates that this missense variant is not expected to disrupt CPLANE1 protein function. ClinVar contains an entry for this variant (Variation ID: 1477933). This variant has not been reported in the literature in individuals affected with CPLANE1-related conditions. This variant is not present in population databases (gnomAD no frequency).